The following is an entry in ClinVar:

NM_001319074.4(RAX2):c.-99G>A

Gene: RAX2 (retina and anterior neural fold homeobox 2; minus strand). Cytogenetic location: 19p13.3.
Variant type: single nucleotide variant.
Coding change: c.-99G>A on transcript NM_001319074.4 (MANE Select); 99 bases upstream of the start codon, G replaced by A.
Molecular consequence: 5 prime UTR variant. On other transcripts: intron variant (1).
Genome position (GRCh38, 1-based): chr19:3,771,841, C>T on the plus strand (G>A on the coding strand, the complement: RAX2 is on the minus strand). VCF-style: chr19-3771841-C-T. GRCh37 (hg19) VCF-style: chr19-3771839-C-T.
Other names: c.-9-90G>A (NM_032753.4).
Identifiers: ClinVar variation 4980275 (VCV004980275.1).

ClinVar aggregate classification (germline): Uncertain significance (1 of 4 stars; one submission).

Conditions:
RAX2-related disorder. Also called: RAX2-related disorders; RAX2-related condition.

gnomAD v4.1: 54 of 1,467,422 alleles (0.0037%); highest among the groups gnomAD compares: African/African-American, 0.011%; 1 homozygote.

Submission:

PreventionGenetics, part of Exact Sciences
Classification: Uncertain significance for RAX2-related condition. Last evaluated: 2025-12-08. Review status: criteria provided, single submitter. Criteria: ACMG Guidelines, 2015. Collection method: clinical testing. Allele origin: germline.
Comment: The RAX2 c.40G>A variant is predicted to result in the amino acid substitution p.Gly14Arg. To our knowledge, this variant has not been reported in the literature. This variant is present in 0.033% of alleles in individuals of African descent in gnomAD. At this time, the clinical significance of this variant is uncertain due to the absence of conclusive functional and genetic evidence.